The following is an entry in ClinVar:

NM_017654.4(SAMD9):c.3521A>C (p.Glu1174Ala)

Gene: SAMD9 (sterile alpha motif domain containing 9; minus strand). Cytogenetic location: 7q21.2.
Variant type: single nucleotide variant.
Coding change: c.3521A>C on transcript NM_017654.4 (MANE Select); coding-DNA position 3521, A replaced by C.
Protein change: p.Glu1174Ala; replaces glutamic acid 1174 with alanine.
Molecular consequence: missense variant.
Genome position (GRCh38, 1-based): chr7:93,102,577, T>G on the plus strand (A>C on the coding strand, the complement: SAMD9 is on the minus strand). VCF-style: chr7-93102577-T-G. GRCh37 (hg19) VCF-style: chr7-92731890-T-G.
Other names: c.3521A>C, p.Glu1174Ala (NM_001193307.2); short protein forms E1174A.
Identifiers: ClinVar variation 4824708 (VCV004824708.1).

ClinVar aggregate classification (germline): Uncertain significance (1 of 4 stars; one submission).

Conditions:
Inborn genetic diseases. Identifiers: MedGen C0950123, MeSH D030342.

Submission:

Ambry Genetics
Classification: Uncertain significance for Inborn genetic diseases. Last evaluated: 2026-02-18. Review status: criteria provided, single submitter. Criteria: Ambry Variant Classification Scheme 2023. Collection method: clinical testing. Allele origin: germline.
Comment: The p.E1174A variant (also known as c.3521A>C), located in coding exon 1 of the SAMD9 gene, results from an A to C substitution at nucleotide position 3521. The glutamic acid at codon 1174 is replaced by alanine, an amino acid with dissimilar properties. This amino acid position is conserved. In addition, this alteration is predicted to be tolerated by in silico analysis. Based on the available evidence, the clinical significance of this variant remains unclear.